The following is an entry in ClinVar:

ClinVar aggregate classification (germline): Uncertain significance (1 of 4 stars; one submission).

Conditions:
Fanconi anemia (FA). Also called: Fanconi's anemia. Identifiers: Orphanet 84, MedGen C0015625, MeSH D005199, MONDO:0019391.

Submission:

Labcorp Genetics (formerly Invitae), Labcorp
Classification: Uncertain significance for Fanconi anemia. Last evaluated: 2022-03-07. Review status: criteria provided, single submitter. Criteria: Invitae Variant Classification Sherloc (09022015). Collection method: clinical testing. Allele origin: germline.
Comment: This sequence change replaces isoleucine, which is neutral and non-polar, with methionine, which is neutral and non-polar, at codon 786 of the FANCD2 protein (p.Ile786Met). This variant is not present in population databases (gnomAD no frequency). This variant has not been reported in the literature in individuals affected with FANCD2-related conditions. ClinVar contains an entry for this variant (Variation ID: 966495). Algorithms developed to predict the effect of missense changes on protein structure and function (SIFT, PolyPhen-2, Align-GVGD) all suggest that this variant is likely to be tolerated. In summary, the available evidence is currently insufficient to determine the role of this variant in disease. Therefore, it has been classified as a Variant of Uncertain Significance.

NM_001018115.3(FANCD2):c.2358A>G (p.Ile786Met)

Genes: FANCD2 (FA complementation group D2; plus strand), LOC107303338 (3p25 FANCD2 Alu-mediated recombination region; plus strand). Cytogenetic location: 3p25.3.
Variant type: single nucleotide variant.
Coding change: c.2358A>G on transcript NM_001018115.3 (MANE Select); coding-DNA position 2358, A replaced by G.
Protein change: p.Ile786Met; replaces isoleucine 786 with methionine.
Molecular consequence: missense variant.
Genome position (GRCh38, 1-based): chr3:10,065,952, A>G. VCF-style: chr3-10065952-A-G. GRCh37 (hg19) VCF-style: chr3-10107636-A-G.
Other names: c.2358A>G, p.Ile786Met (NM_001319984.2, NM_001374254.1, NM_033084.6); c.2247A>G, p.Ile749Met (NM_001374253.1); short protein forms I749M, I786M.
Identifiers: ClinVar variation 966495 (VCV000966495.5), dbSNP rs2087707764, ClinGen allele CA351736161.
Genomic context (GRCh38, chr3:10,065,952, plus strand): 5'-GCCTGGAGAGAAGTTGGAGTCCATGTCTGCTAAAGAGCGTTCATTCATGTGTTCTCTCAT[A>G]TTTCTTACTCTCAACTGGTTCCGAGAGGTGAGCAGAGTTAATAGGATGTTTCACTTATTG-3'
Protein context (NP_001018125.1, residues 776-796): AKERSFMCSL[Ile786Met]FLTLNWFREI